The following is an entry in ClinVar:

ClinVar aggregate classification (germline): Pathogenic (1 of 4 stars; one submission).

Allele frequency attached by ClinVar (database versions not stated): gnomAD exomes below 0.00001.
gnomAD v4.1: 4 of 1,614,000 alleles (0.00025%); highest among the groups gnomAD compares: Non-Finnish European, 0.00034%; no homozygotes.

Submission:

Labcorp Genetics (formerly Invitae), Labcorp
Classification: Pathogenic. Last evaluated: 2024-01-22. Review status: criteria provided, single submitter. Criteria: Invitae Variant Classification Sherloc (09022015). Collection method: clinical testing. Allele origin: germline.
Comment: This sequence change creates a premature translational stop signal (p.Gln936*) in the ITGB4 gene. It is expected to result in an absent or disrupted protein product. Loss-of-function variants in ITGB4 are known to be pathogenic (PMID: 11328943, 16473856). This variant is not present in population databases (gnomAD no frequency). This variant has not been reported in the literature in individuals affected with ITGB4-related conditions. For these reasons, this variant has been classified as Pathogenic.

Literature cited by the submitters: PubMed 11328943; PubMed 16473856.

NM_000213.5(ITGB4):c.2806C>T (p.Gln936Ter)

Gene: ITGB4 (integrin subunit beta 4; plus strand). Cytogenetic location: 17q25.1.
Variant type: single nucleotide variant.
Coding change: c.2806C>T on transcript NM_000213.5 (MANE Select); coding-DNA position 2806, C replaced by T.
Protein change: p.Gln936Ter; replaces glutamine 936 with a stop codon.
Molecular consequence: nonsense.
Genome position (GRCh38, 1-based): chr17:75,742,605, C>T. VCF-style: chr17-75742605-C-T. GRCh37 (hg19) VCF-style: chr17-73738686-C-T.
Other names: c.2806C>T, p.Gln936Ter (NM_001005619.2, NM_001005731.3, NM_001321123.2); short protein forms Q936*.
Identifiers: ClinVar variation 2864893 (VCV002864893.3), dbSNP rs2545802033, ClinGen allele CA401068999.
Genomic context (GRCh38, chr17:75,742,605, plus strand): 5'-GTGACCCACCTCTGACCACCTCCGAACCCCCACCCAGACGCCCGGGGCATGGTGGAGTTC[C>T]AGGAGGGCGTGGAGCTGGTGGACGTACGGGTGCCCCTCTTTATCCGGCCTGAGGATGACG-3'